The following is an entry in ClinVar:

NM_022166.4(XYLT1):c.1883G>A (p.Arg628His)

Genes: XYLT1 (xylosyltransferase 1; minus strand), LOC102723692 (uncharacterized LOC102723692; plus strand). Cytogenetic location: 16p12.3.
Variant type: single nucleotide variant.
Coding change: c.1883G>A on transcript NM_022166.4 (MANE Select); coding-DNA position 1883, G replaced by A.
Protein change: p.Arg628His; replaces arginine 628 with histidine.
Molecular consequence: missense variant.
Genome position (GRCh38, 1-based): chr16:17,134,617, C>T on the plus strand (G>A on the coding strand, the complement: XYLT1 is on the minus strand). VCF-style: chr16-17134617-C-T. GRCh37 (hg19) VCF-style: chr16-17228474-C-T.
Other names: short protein forms R628H.
Identifiers: ClinVar variation 2041798 (VCV002041798.2), dbSNP rs775575069, ClinGen allele CA7927741.

ClinVar aggregate classification (germline): Uncertain significance (1 of 4 stars; one submission).

Conditions:
Desbuquois dysplasia 1 (DBQD1). Also called: DESBUQUOIS DYSPLASIA 1, KIM VARIANT; MICROMELIC DWARFISM WITH VERTEBRAL AND METAPHYSEAL ABNORMALITIES AND ADVANCED CARPOTARSAL OSSIFICATION. Identifiers: Orphanet 1425, MedGen C4012146, MONDO:0009629, OMIM 251450.

Allele frequency attached by ClinVar (database versions not stated): ExAC 0.00002; gnomAD exomes 0.00002; TOPMed 0.00002; gnomAD 0.00003.

Submission:

Labcorp Genetics (formerly Invitae), Labcorp
Classification: Uncertain significance for Desbuquois dysplasia 1. Last evaluated: 2022-07-25. Review status: criteria provided, single submitter. Criteria: Invitae Variant Classification Sherloc (09022015). Collection method: clinical testing. Allele origin: germline.
Comment: In summary, the available evidence is currently insufficient to determine the role of this variant in disease. Therefore, it has been classified as a Variant of Uncertain Significance. This sequence change replaces arginine, which is basic and polar, with histidine, which is basic and polar, at codon 628 of the XYLT1 protein (p.Arg628His). This variant is present in population databases (rs775575069, gnomAD 0.005%). This variant has not been reported in the literature in individuals affected with XYLT1-related conditions. Algorithms developed to predict the effect of missense changes on protein structure and function (SIFT, PolyPhen-2, Align-GVGD) all suggest that this variant is likely to be tolerated. Experimental studies have shown that this missense change does not substantially affect XYLT1 function (PMID: 16376579).

Literature cited by the submitters: PubMed 16376579.